The following is an entry in ClinVar:

ClinVar aggregate classification (germline): Likely benign. Review status: criteria provided, multiple submitters, no conflicts (2 of 4 stars). 7 submissions from 4 submitters: Likely benign (7). Last evaluated 2026-02-03.

Conditions:
Malignant hyperthermia, susceptibility to, 5 (MHS5). Also called: CACNA1S-Related Malignant Hyperthermia Susceptibility. Identifiers: Orphanet 423, MedGen C1866077, MONDO:0011163, OMIM 601887.
Hypokalemic periodic paralysis, type 1. Also called: HypoPP; Hypokalemic Periodic Paralysis Type 1 (AD). Identifiers: Orphanet 681, MedGen C3714580, MONDO:0042979, OMIM 170400.
Thyrotoxic periodic paralysis, susceptibility to, 1 (TTPP1). Identifiers: Orphanet 79102, MedGen C2749982, MONDO:0008570, OMIM 188580.
Congenital myopathy 18. Also called: Myopathy, congenital, due to dihydropyridine receptor defect; DIHYDROPYRIDINE RECEPTOR CONGENITAL MYOPATHY; DHPR CONGENITAL MYOPATHY. Identifiers: MedGen C5830283, MONDO:0859514, OMIM 620246.

Allele frequency attached by ClinVar (database versions not stated): gnomAD 0.00006 and 0.00007; TOPMed 0.00006; ESP Exome Variant Server 0.00008; 1000 Genomes Project 30x 0.00016; 1000 Genomes Project 0.00020; ExAC 0.00023.
gnomAD v4.1: 226 of 1,604,736 alleles (0.014%); highest among the groups gnomAD compares: Non-Finnish European, 0.016%; 1 homozygote.

Submissions (7):

Labcorp Genetics (formerly Invitae), Labcorp
Classification: Likely benign for Hypokalemic periodic paralysis, type 1; Malignant hyperthermia, susceptibility to, 5. Last evaluated: 2026-02-03. Review status: criteria provided, single submitter. Criteria: Invitae Variant Classification Sherloc (09022015). Collection method: clinical testing. Allele origin: germline.

Blueprint Genetics
Classification: Likely benign. Last evaluated: 2024-11-19. Review status: criteria provided, single submitter. Criteria: ACMG Guidelines, 2015. Collection method: clinical testing. Allele origin: germline.

Genome-Nilou Lab
Classification: Likely benign for Malignant hyperthermia, susceptibility to, 5. Last evaluated: 2023-04-11. Review status: criteria provided, single submitter. Criteria: ACMG Guidelines, 2015. Collection method: clinical testing. Allele origin: germline. Affected: no.

Genome-Nilou Lab
Classification: Likely benign for Thyrotoxic periodic paralysis, susceptibility to, 1. Last evaluated: 2023-04-11. Review status: criteria provided, single submitter. Criteria: ACMG Guidelines, 2015. Collection method: clinical testing. Allele origin: germline. Affected: no.

Genome-Nilou Lab
Classification: Likely benign for Congenital myopathy 18. Last evaluated: 2023-04-11. Review status: criteria provided, single submitter. Criteria: ACMG Guidelines, 2015. Collection method: clinical testing. Allele origin: germline. Affected: no.

Genome-Nilou Lab
Classification: Likely benign for Hypokalemic periodic paralysis, type 1. Last evaluated: 2023-04-11. Review status: criteria provided, single submitter. Criteria: ACMG Guidelines, 2015. Collection method: clinical testing. Allele origin: germline. Affected: no.

GeneDx
Classification: Likely benign. Last evaluated: 2018-01-12. Review status: criteria provided, single submitter. Criteria: GeneDx Variant Classification (06012015). Collection method: clinical testing. Allele origin: germline. Affected: yes.
Comment: This variant is considered likely benign or benign based on one or more of the following criteria: it is a conservative change, it occurs at a poorly conserved position in the protein, it is predicted to be benign by multiple in silico algorithms, and/or has population frequency not consistent with disease.

NM_000069.3(CACNA1S):c.1619+10G>A

Gene: CACNA1S (calcium voltage-gated channel subunit alpha1 S; minus strand). Cytogenetic location: 1q32.1.
Variant type: single nucleotide variant.
Coding change: c.1619+10G>A on transcript NM_000069.3 (MANE Select); 10 bases into the intron after coding-DNA position 1619, G replaced by A.
Molecular consequence: intron variant.
Genome position (GRCh38, 1-based): chr1:201,077,869, C>T on the plus strand (G>A on the coding strand, the complement: CACNA1S is on the minus strand). VCF-style: chr1-201077869-C-T. GRCh37 (hg19) VCF-style: chr1-201046997-C-T.
Identifiers: ClinVar variation 514367 (VCV000514367.14), dbSNP rs374195664, ClinGen allele CA078441.